The following is an entry in ClinVar:

ClinVar aggregate classification (germline): Uncertain significance (1 of 4 stars; one submission).

Submission:

Labcorp Genetics (formerly Invitae), Labcorp
Classification: Uncertain significance. Last evaluated: 2026-01-25. Review status: criteria provided, single submitter. Criteria: Invitae Variant Classification Sherloc (09022015). Collection method: clinical testing. Allele origin: germline.
Comment: This sequence change replaces histidine, which is basic and polar, with tyrosine, which is neutral and polar, at codon 168 of the RNF31 protein (p.His168Tyr). This variant is not present in population databases (gnomAD no frequency). This variant has not been reported in the literature in individuals affected with RNF31-related conditions. ClinVar contains an entry for this variant (Variation ID: 3717037). An algorithm developed to predict the effect of missense changes on protein structure and function (PolyPhen-2) suggests that this variant is likely to be disruptive. In summary, the available evidence is currently insufficient to determine the role of this variant in disease. Therefore, it has been classified as a Variant of Uncertain Significance.

NM_017999.5(RNF31):c.502C>T (p.His168Tyr)

Gene: RNF31 (ring finger protein 31; plus strand). Cytogenetic location: 14q12.
Variant type: single nucleotide variant.
Coding change: c.502C>T on transcript NM_017999.5 (MANE Select); coding-DNA position 502, C replaced by T.
Protein change: p.His168Tyr; replaces histidine 168 with tyrosine.
Molecular consequence: missense variant.
Genome position (GRCh38, 1-based): chr14:24,148,648, C>T. VCF-style: chr14-24148648-C-T. GRCh37 (hg19) VCF-style: chr14-24617857-C-T.
Other names: c.49C>T, p.His17Tyr (NM_001310332.2); short protein forms H168Y, H17Y.
Identifiers: ClinVar variation 3717037 (VCV003717037.2).